The following is an entry in ClinVar:

NM_000540.3(RYR1):c.4873T>C (p.Trp1625Arg)

Gene: RYR1 (ryanodine receptor 1; plus strand). Cytogenetic location: 19q13.2.
Variant type: single nucleotide variant.
Coding change: c.4873T>C on transcript NM_000540.3 (MANE Select); coding-DNA position 4873, T replaced by C.
Protein change: p.Trp1625Arg; replaces tryptophan 1625 with arginine.
Molecular consequence: missense variant.
Genome position (GRCh38, 1-based): chr19:38,483,455, T>C. VCF-style: chr19-38483455-T-C. GRCh37 (hg19) VCF-style: chr19-38974095-T-C.
Other names: c.4873T>C, p.Trp1625Arg (NM_001042723.2); short protein forms W1625R.
Identifiers: ClinVar variation 1500021 (VCV001500021.8), dbSNP rs1568481617, ClinGen allele CA405650752.

ClinVar aggregate classification (germline): Uncertain significance (1 of 4 stars; one submission).

Conditions:
RYR1-related disorder. Also called: RYR1-related condition; RYR1-related disorders. Identifiers: MedGen CN239331.

Allele frequency attached by ClinVar (database versions not stated): gnomAD exomes below 0.00001 and 0.00001.
gnomAD v4.1: 1 of 1,570,276 alleles (0.000064%); highest among the groups gnomAD compares: South Asian, 0.0012%; no homozygotes.

Submission:

Labcorp Genetics (formerly Invitae), Labcorp
Classification: Uncertain significance for RYR1-related disorder. Last evaluated: 2021-06-30. Review status: criteria provided, single submitter. Criteria: Invitae Variant Classification Sherloc (09022015). Collection method: clinical testing. Allele origin: germline.
Comment: This sequence change replaces tryptophan with arginine at codon 1625 of the RYR1 protein (p.Trp1625Arg). The tryptophan residue is highly conserved and there is a moderate physicochemical difference between tryptophan and arginine. This variant is not present in population databases (ExAC no frequency). This variant has been observed in individual(s) with clinical features of autosomal recessive RYR1-related conditions (Invitae). Advanced modeling of protein sequence and biophysical properties (such as structural, functional, and spatial information, amino acid conservation, physicochemical variation, residue mobility, and thermodynamic stability) performed at Invitae indicates that this missense variant is expected to disrupt RYR1 protein function. In summary, the available evidence is currently insufficient to determine the role of this variant in disease. Therefore, it has been classified as a Variant of Uncertain Significance.